The following is an entry in ClinVar:

ClinVar aggregate classification (germline): Uncertain significance (1 of 4 stars; one submission).

Submission:

CeGaT Center for Human Genetics Tuebingen
Classification: Uncertain significance. Last evaluated: 2023-08-01. Review status: criteria provided, single submitter. Criteria: CeGaT Center For Human Genetics Tuebingen Variant Classification Criteria Version 2. Collection method: clinical testing. Allele origin: germline. Affected: yes. Observed: 1 variant allele.
Comment: CNOT1: PM2, PP2

NM_016284.5(CNOT1):c.4154C>T (p.Ala1385Val)

Gene: CNOT1 (CCR4-NOT transcription complex subunit 1; minus strand). Cytogenetic location: 16q21.
Variant type: single nucleotide variant.
Coding change: c.4154C>T on transcript NM_016284.5 (MANE Select); coding-DNA position 4154, C replaced by T.
Protein change: p.Ala1385Val; replaces alanine 1385 with valine.
Molecular consequence: missense variant. On other transcripts: non-coding transcript variant (1).
Genome position (GRCh38, 1-based): chr16:58,543,887, G>A on the plus strand (C>T on the coding strand, the complement: CNOT1 is on the minus strand). VCF-style: chr16-58543887-G-A. GRCh37 (hg19) VCF-style: chr16-58577791-G-A.
Other names: c.4139C>T, p.Ala1380Val (NM_001265612.2); c.4154C>T, p.Ala1385Val (NM_206999.3); short protein forms A1380V, A1385V.
Identifiers: ClinVar variation 2646577 (VCV002646577.24), dbSNP rs2543900318, ClinGen allele CA396170379.
Genomic context (GRCh38, chr16:58,543,887, plus strand): 5'-ACCAGCTCCTGGACAGCCCGTTCAATTGCCTGACGCACACACTGCTTCAACTGTGGATGG[G>A]CCTGAAACAAGGGAATCTGGGGGGTTGGGGAGGACAAAGTCAACACCTTGTTTAAATAAG-3'
Protein context (NP_057368.3, residues 1375-1395): TLNPTIPLFQ[Ala1385Val]HPQLKQCVRQ